The following is an entry in ClinVar:

NM_020738.4(KIDINS220):c.1503A>G (p.Ile501Met)

Gene: KIDINS220 (kinase D interacting substrate 220; minus strand). Cytogenetic location: 2p25.1.
Variant type: single nucleotide variant.
Coding change: c.1503A>G on transcript NM_020738.4 (MANE Select); coding-DNA position 1503, A replaced by G.
Protein change: p.Ile501Met; replaces isoleucine 501 with methionine.
Molecular consequence: missense variant. On other transcripts: non-coding transcript variant (2).
Genome position (GRCh38, 1-based): chr2:8,789,998, T>C on the plus strand (A>G on the coding strand, the complement: KIDINS220 is on the minus strand). VCF-style: chr2-8789998-T-C. GRCh37 (hg19) VCF-style: chr2-8930128-T-C.
Other names: c.1503A>G (NM_020738.2); c.1506A>G, p.Ile502Met (NM_001348729.2, NM_001348731.2, NM_001348734.2 and 3 more transcripts); c.1503A>G, p.Ile501Met (NM_001348732.2, NM_001348735.2, NM_001348738.2 and 3 more transcripts); c.1377A>G, p.Ile459Met (NM_001348736.2); short protein forms I459M, I502M, I501M.
Identifiers: ClinVar variation 2077063 (VCV002077063.25), dbSNP rs202154759, ClinGen allele CA1520169.

ClinVar aggregate classification (germline): Conflicting classifications of pathogenicity. Review status: criteria provided, conflicting classifications (1 of 4 stars). 5 submissions from 5 submitters: Uncertain significance (3); Likely benign (2). Last evaluated 2026-08-01.

Conditions:
Inborn genetic diseases. Identifiers: MedGen C0950123, MeSH D030342.
KIDINS220-related disorder. Also called: KIDINS220-related condition.

Allele frequency attached by ClinVar (database versions not stated): TOPMed 0.00027; gnomAD 0.00032; gnomAD exomes 0.00062; ESP Exome Variant Server 0.00076; ExAC 0.00026.
gnomAD v4.1: 955 of 1,612,880 alleles (0.059%); highest among the groups gnomAD compares: Non-Finnish European, 0.077%; no homozygotes.

Submissions (5):

CeGaT Center for Human Genetics Tuebingen
Classification: Uncertain significance. Last evaluated: 2026-08-01. Review status: criteria provided, single submitter. Criteria: CeGaT Center For Human Genetics Tuebingen Variant Classification Criteria Version 2. Collection method: clinical testing. Allele origin: germline. Affected: yes. Observed: 3 variant alleles.
Comment: KIDINS220: PM2:Supporting, BP4

PreventionGenetics, part of Exact Sciences
Classification: Uncertain significance for KIDINS220-related condition. Last evaluated: 2026-06-01. Review status: criteria provided, single submitter. Criteria: ACMG Guidelines, 2015. Collection method: clinical testing. Allele origin: germline.
Comment: The KIDINS220 c.1503A>G variant is predicted to result in the amino acid substitution p.Ile501Met. To our knowledge, this variant has not been reported in the literature. This variant is reported in 0.060% of alleles in individuals of European (Non-Finnish) descent in gnomAD, which may be too common to be an unreported disease-causing variant. Although we suspect that this variant may be benign, at this time, the clinical significance of this variant is uncertain due to the absence of conclusive functional and genetic evidence.

Labcorp Genetics (formerly Invitae), Labcorp
Classification: Uncertain significance. Last evaluated: 2025-07-30. Review status: criteria provided, single submitter. Criteria: Invitae Variant Classification Sherloc (09022015). Collection method: clinical testing. Allele origin: germline.
Comment: This sequence change replaces isoleucine, which is neutral and non-polar, with methionine, which is neutral and non-polar, at codon 501 of the KIDINS220 protein (p.Ile501Met). This variant is present in population databases (rs202154759, gnomAD 0.06%). This variant has not been reported in the literature in individuals affected with KIDINS220-related conditions. ClinVar contains an entry for this variant (Variation ID: 2077063). An algorithm developed to predict the effect of missense changes on protein structure and function (PolyPhen-2) suggests that this variant is likely to be tolerated. In summary, the available evidence is currently insufficient to determine the role of this variant in disease. Therefore, it has been classified as a Variant of Uncertain Significance.

Laboratory of Genetics, Children's Clinical University Hospital Latvia
Classification: Likely benign. Last evaluated: 2025-02-16. Review status: criteria provided, single submitter. Criteria: ACMG Guidelines, 2015. Collection method: clinical testing. Allele origin: germline. Affected: yes.

Ambry Genetics
Classification: Likely benign for Inborn genetic diseases. Last evaluated: 2023-04-19. Review status: criteria provided, single submitter. Criteria: Ambry Variant Classification Scheme 2023. Collection method: clinical testing. Allele origin: germline.